The following is an entry in ClinVar:

ClinVar aggregate classification (germline): Pathogenic (1 of 4 stars; one submission).

Submission:

Labcorp Genetics (formerly Invitae), Labcorp
Classification: Pathogenic. Last evaluated: 2021-10-23. Review status: criteria provided, single submitter. Criteria: Invitae Variant Classification Sherloc (09022015). Collection method: clinical testing. Allele origin: germline.
Comment: For these reasons, this variant has been classified as Pathogenic. This variant has not been reported in the literature in individuals affected with FAM161A-related conditions. This variant is not present in population databases (ExAC no frequency). This sequence change creates a premature translational stop signal (p.Glu125Lysfs*30) in the FAM161A gene. It is expected to result in an absent or disrupted protein product. Loss-of-function variants in FAM161A are known to be pathogenic (PMID: 20705278, 20705279, 24651477).

Literature cited by the submitters: PubMed 20705278; PubMed 20705279; PubMed 24651477.

NM_001201543.2(FAM161A):c.373del (p.Glu125fs)

Gene: FAM161A (FAM161 centrosomal protein A; minus strand). Cytogenetic location: 2p15.
Variant type: Deletion.
Coding change: c.373del on transcript NM_001201543.2 (MANE Select); coding-DNA position 373, one base deleted (G; older notation c.373delG).
Protein change: p.Glu125fs; shifts the reading frame from glutamic acid 125.
Molecular consequence: frameshift variant. On other transcripts: non-coding transcript variant (1).
Genome position (GRCh38, 1-based): chr2:61,842,171, C deleted on the plus strand (G on the coding strand, the reverse complement: FAM161A is on the minus strand); the first of 2 consecutive C bases (chr2:61,842,171-61,842,172); deleting either gives the same sequence. VCF-style (leftmost placement, unchanged base first): chr2-61842170-TC-T. GRCh37 (hg19) VCF-style: chr2-62069305-TC-T.
Other names: c.373del, p.Glu125fs (NM_032180.3); short protein forms E125fs.
Identifiers: ClinVar variation 1455546 (VCV001455546.6), dbSNP rs2105086622, ClinGen allele CA2573135010.